The following is an entry in ClinVar:

NM_000159.4(GCDH):c.262C>A (p.Arg88Ser)

Gene: GCDH (glutaryl-CoA dehydrogenase; plus strand). Cytogenetic location: 19p13.13.
Variant type: single nucleotide variant.
Coding change: c.262C>A on transcript NM_000159.4 (MANE Select); coding-DNA position 262, C replaced by A.
Protein change: p.Arg88Ser; replaces arginine 88 with serine.
Molecular consequence: missense variant. On other transcripts: non-coding transcript variant (2).
Genome position (GRCh38, 1-based): chr19:12,891,965, C>A. VCF-style: chr19-12891965-C-A. GRCh37 (hg19) VCF-style: chr19-13002779-C-A.
Other names: c.262C>A, p.Arg88Ser (NM_013976.5); short protein forms R88S.
Identifiers: ClinVar variation 529444 (VCV000529444.17), dbSNP rs142967670, ClinGen allele CA305500199.

ClinVar aggregate classification (germline): Pathogenic/Likely pathogenic. Review status: criteria provided, multiple submitters, no conflicts (2 of 4 stars). 6 submissions from 6 submitters: Pathogenic (2); Likely pathogenic (4). Last evaluated 2025-05-29.

Conditions:
Glutaric aciduria, type 1. Also called: GA I; Glutaricaciduria, type I; Glutaryl-CoA dehydrogenase deficiency; Glutaric acidemia type I; Glutaricacidemia Type 1; Glutaric Acidemia Type 1. Identifiers: Orphanet 25, MedGen C0268595, MONDO:0009281, OMIM 231670.

Allele frequency attached by ClinVar (database versions not stated): TOPMed 0.00002.
gnomAD v4.1: 63 of 1,614,102 alleles (0.0039%); highest among the groups gnomAD compares: Non-Finnish European, 0.0053%; no homozygotes.

Submissions (6):

Natera, Inc.
Classification: Likely pathogenic for Glutaric acidemia type 1. Last evaluated: 2025-05-29. Review status: criteria provided, single submitter. Criteria: Natera Variant Classification Schema (03/2026). Collection method: clinical testing. Allele origin: germline.
Comment: The c.262C>A variant in GCDH is a missense variant predicted to cause substitution of arginine to serine at amino acid 88. This variant is rare in the general population with a frequency below the threshold expected for the associated phenotype(s). This variant has been observed in one or more individuals affected with the associated recessive disease, as either homozygous or compound heterozygous with a second variant (PMID: 38924972). A different variant at the same position has been determined to be Pathogenic or Likely Pathogenic. Computational prediction algorithms indicate this variant is likely to affect gene or protein function. Given the available evidence, this variant is classified as Likely Pathogenic.

Labcorp Genetics (formerly Invitae), Labcorp
Classification: Pathogenic for Glutaric aciduria, type 1. Last evaluated: 2025-05-13. Review status: criteria provided, single submitter. Criteria: Invitae Variant Classification Sherloc (09022015). Collection method: clinical testing. Allele origin: germline.
Comment: This sequence change replaces arginine, which is basic and polar, with serine, which is neutral and polar, at codon 88 of the GCDH protein (p.Arg88Ser). This variant is present in population databases (no rsID available, gnomAD 0.0009%). This missense change has been observed in individual(s) with glutaric aciduria, type I (PMID: 27397597; internal data). ClinVar contains an entry for this variant (Variation ID: 529444). Invitae Evidence Modeling of protein sequence and biophysical properties (such as structural, functional, and spatial information, amino acid conservation, physicochemical variation, residue mobility, and thermodynamic stability) has been performed for this missense variant. However, the output from this modeling did not meet the statistical confidence thresholds required to predict the impact of this variant on GCDH protein function. This variant disrupts the p.Arg88 amino acid residue in GCDH. Other variant(s) that disrupt this residue have been determined to be pathogenic (PMID: 8900227, 23395213, 24332224, 28438223). This suggests that this residue is clinically significant, and that variants that disrupt this residue are likely to be disease-causing. For these reasons, this variant has been classified as Pathogenic.

GeneDx
Classification: Likely pathogenic. Last evaluated: 2025-04-06. Review status: criteria provided, single submitter. Criteria: GeneDx Variant Classification Process June 2021. Collection method: clinical testing. Allele origin: germline. Affected: yes.
Comment: Not observed at significant frequency in large population cohorts (gnomAD); In silico analysis supports that this missense variant has a deleterious effect on protein structure/function; This variant is associated with the following publications: (PMID: 31589614, 28438223, 28062662, 33728242, 37020324, 27397597, 8900227, 24332224, 23395213, 10699052, 11073722)

Baylor Genetics
Classification: Pathogenic for Glutaric aciduria, type 1. Last evaluated: 2023-10-10. Review status: criteria provided, single submitter. Criteria: ACMG Guidelines, 2015. Collection method: clinical testing. Allele origin: unknown.

Women's Health and Genetics/Laboratory Corporation of America, LabCorp
Classification: Likely pathogenic for Glutaric aciduria, type 1. Last evaluated: 2023-03-16. Review status: criteria provided, single submitter. Criteria: LabCorp Variant Classification Summary - May 2015. Collection method: clinical testing. Allele origin: germline.
Comment: Variant summary: GCDH c.262C>A (p.Arg88Ser) results in a non-conservative amino acid change located in the Acyl-CoA dehydrogenase/oxidase, N-terminal domain (IPR013786) of the encoded protein sequence. Four of five in-silico tools predict a damaging effect of the variant on protein function. The variant allele was found at a frequency of 4e-06 in 251424 control chromosomes (gnomAD). c.262C>A has been reported in the literature in an individual affected with Glutaric Acidemia Type 1 (example: Schillaci_2016). Variants at the same codon position as the variant of interest but causing different amino acid changes (i.e. c.262C>T, p.Arg88Cys, classified pathogenic in our internal database; c.263G>A, p.Arg88His) have been reported in multiple affected individuals (Schmiesing_2017, Wang_2014). Schmiesing et al. (2017) carried out functional assessment of the p.Arg88Cys and other variants resulting in different amino acid substitutions at position 88 of the protein sequence, and concluded that Arg88 is essential for preserving mitochondrial architecture and GCDH activity. Two clinical diagnostic laboratories have submitted clinical-significance assessments for this variant to ClinVar after 2014 and classified the variant as pathogenic/likely pathogenic. Based on the evidence outlined above, the variant was classified as likely pathogenic.

Revvity Omics, Revvity
Classification: Likely pathogenic for Glutaric aciduria, type 1. Last evaluated: 2021-07-22. Review status: criteria provided, single submitter. Criteria: ACMG Guidelines, 2015. Collection method: clinical testing. Allele origin: germline.

Literature cited by the submitters: PubMed 38924972 (cited by Natera, Inc.); PubMed 27397597 (cited by Labcorp Genetics (formerly Invitae), Labcorp and Women's Health and Genetics/Laboratory Corporation of America, LabCorp); PubMed 8900227 (cited by Labcorp Genetics (formerly Invitae), Labcorp); PubMed 23395213 (cited by Labcorp Genetics (formerly Invitae), Labcorp); PubMed 24332224 (cited by Labcorp Genetics (formerly Invitae), Labcorp and Women's Health and Genetics/Laboratory Corporation of America, LabCorp); PubMed 28438223 (cited by Labcorp Genetics (formerly Invitae), Labcorp); PubMed 28062662 (cited by Women's Health and Genetics/Laboratory Corporation of America, LabCorp).